The following is an entry in ClinVar:

NM_024006.6(VKORC1):c.106G>T (p.Asp36Tyr)

Gene: VKORC1 (vitamin K epoxide reductase complex subunit 1; minus strand). Cytogenetic location: 16p11.2.
Variant type: single nucleotide variant.
Coding change: c.106G>T on transcript NM_024006.6 (MANE Select); coding-DNA position 106, G replaced by T.
Protein change: p.Asp36Tyr; replaces aspartic acid 36 with tyrosine.
Molecular consequence: missense variant.
Genome position (GRCh38, 1-based): chr16:31,094,624, C>A on the plus strand (G>T on the coding strand, the complement: VKORC1 is on the minus strand). VCF-style: chr16-31094624-C-A. GRCh37 (hg19) VCF-style: chr16-31105945-C-A.
Other names: c.106G>T, p.Asp36Tyr (NM_001311311.2, NM_206824.3); short protein forms D36Y.
Identifiers: ClinVar variation 2212 (VCV000002212.42), dbSNP rs61742245, ClinGen allele CA115418.
Genomic context (GRCh38, chr16:31,094,624, plus strand): 5'-AGAAGACGCGCGAACAGCTGATGGCGGTGCCCACGTCGCAGAGCGCGCGGTAATCCCGGT[C>A]CCGGGCGCGCGCCGCCTTCACGTGCAGCGCGTAGAGCGAGAGCACTAAGCCCGTCAGGCA-3'
Protein context (NP_076869.1, residues 26-46): ALHVKAARAR[Asp36Tyr]RDYRALCDVG

ClinVar aggregate classification (germline): drug response. Review status: reviewed by expert panel (3 of 4 stars). 10 submissions from 10 submitters: drug response (1). 9 of the submissions do not count toward it. Last evaluated 2021-11-18.

Conditions:
Thrombus. Identifiers: MedGen C0087086, MeSH D013927.
VKORC1-related disorder. Also called: VKORC1-related condition.
Warfarin response. Also called: Coumadin response; Warfarin sensitivity; COUMARIN SENSITIVITY; COUMARIN, POOR METABOLISM OF; WARFARIN RESISTANCE; Coumarin resistance. Identifiers: MedGen C0750384, MONDO:0007390, OMIM 122700.
Vitamin K-dependent clotting factors, combined deficiency of, type 2. Identifiers: Orphanet 98434, MedGen C1843832, MONDO:0011837, OMIM 607473.
warfarin response - Dosage. Identifiers: MedGen CN322729.

Allele frequency attached by ClinVar (database versions not stated): 1000 Genomes Project 0.00040; 1000 Genomes Project 30x 0.00047; gnomAD 0.00149 and 0.00150; TOPMed 0.00176; ExAC 0.00216; gnomAD exomes 0.00240.
gnomAD v4.1: 2,173 of 1,606,390 alleles (0.14%); highest among the groups gnomAD compares: Middle Eastern, 0.99%; 27 homozygotes.

Submissions (10):

ClinPGx
Classification: drug response for warfarin response - Dosage. Last evaluated: 2021-11-18. Review status: reviewed by expert panel. Criteria: Pharmacogenomics knowledge for personalized medicine. Collection method: curation. Allele origin: germline. Affected: yes.
Comment: PharmGKB Level of Evidence 2A: Variants in Level 2A clinical annotations are found in PharmGKB’s Tier 1 Very Important Pharmacogenes (VIPs). These variants are in known pharmacogenes, implying causation of drug phenotype is more likely. These clinical annotations describe variant-drug combinations with a moderate level of evidence supporting the association. For example, the association may be found in multiple cohorts, but there may be a minority of studies that do not support the majority assertion. Level 2A clinical annotations must be supported by at least two independent publications.

Mayo Clinic Laboratories, Mayo Clinic
Classification: Likely benign. Last evaluated: 2025-03-20. Review status: criteria provided, single submitter. Criteria: ACMG Guidelines, 2015. Collection method: clinical testing. Allele origin: germline. Observed: 1 variant allele. Not counted in ClinVar's aggregate classification.
Comment: BS1, BS2, PP3

Labcorp Genetics (formerly Invitae), Labcorp
Classification: Benign. Last evaluated: 2025-01-03. Review status: criteria provided, single submitter. Criteria: Invitae Variant Classification Sherloc (09022015). Collection method: clinical testing. Allele origin: germline. Not counted in ClinVar's aggregate classification.

CeGaT Center for Human Genetics Tuebingen
Classification: Likely benign. Last evaluated: 2023-08-01. Review status: criteria provided, single submitter. Criteria: CeGaT Center For Human Genetics Tuebingen Variant Classification Criteria Version 2. Collection method: clinical testing. Allele origin: germline. Affected: yes. Observed: 1 variant allele. Not counted in ClinVar's aggregate classification.
Comment: VKORC1: PM5, PP3, BS2

Mendelics
Classification: Benign. Last evaluated: 2022-05-04. Review status: criteria provided, single submitter. Criteria: Mendelics Assertion Criteria 2019. Collection method: clinical testing. Allele origin: germline. Not counted in ClinVar's aggregate classification.

Illumina Laboratory Services, Illumina
Classification: Likely benign for Vitamin K-dependent clotting factors, combined deficiency of, type 2. Last evaluated: 2017-04-27. Review status: criteria provided, single submitter. Criteria: ICSL Variant Classification Criteria 13 December 2019. Collection method: clinical testing. Allele origin: germline. Not counted in ClinVar's aggregate classification.
Comment: This variant was observed as part of a predisposition screen in an ostensibly healthy population. A literature search was performed for the gene, cDNA change, and amino acid change (where applicable). No publications were found based on this search. Allele frequency data from public databases allowed determination this variant is unlikely to cause disease. Therefore, this variant is classified as likely benign.

Breakthrough Genomics
Classification: Likely benign. Review status: criteria provided, single submitter. Criteria: ACMG Guidelines, 2015. Collection method: not provided. Allele origin: germline. Inheritance: Autosomal recessive inheritance. Affected: yes. Not counted in ClinVar's aggregate classification.

ISTH-SSC Genomics in Thrombosis and Hemostasis, KU Leuven, Center for Molecular and Vascular Biology
Classification: Uncertain significance for Thrombus. Review status: criteria provided, single submitter. Criteria: ACMG Guidelines, 2015. Collection method: clinical testing. Allele origin: germline. Affected: yes. Observed: 1 heterozygote. Not counted in ClinVar's aggregate classification.
Comment: Submitted to GoldVariant by Kathleen Freson, Center for Molecular and Vascular Biology, Leuven, Belgium

PreventionGenetics, part of Exact Sciences
Classification: Likely benign for VKORC1-related condition. Last evaluated: 2022-12-29. Review status: no assertion criteria provided. Collection method: clinical testing. Allele origin: germline. Not counted in ClinVar's aggregate classification.
Comment: This variant is classified as likely benign based on ACMG/AMP sequence variant interpretation guidelines (Richards et al. 2015 PMID: 25741868, with internal and published modifications).

OMIM
Classification: Pathogenic for WARFARIN RESISTANCE. Last evaluated: 2008-02-01. Review status: no assertion criteria provided. Collection method: literature only. Allele origin: germline. Not counted in ClinVar's aggregate classification.

Literature cited by the submitters: PubMed 17110455 (cited by ClinPGx and OMIM); PubMed 20128861 (cited by ClinPGx); PubMed 22266406 (cited by ClinPGx); PubMed 22871975 (cited by ClinPGx); PubMed 23571513 (cited by ClinPGx); PubMed 31114289 (cited by ClinPGx); PubMed 18252229 (cited by OMIM).